The following is an entry in ClinVar:

NM_206933.4(USH2A):c.5788C>T (p.Arg1930Ter)

Genes: USH2A (usherin; minus strand), USH2A-AS2 (USH2A antisense RNA 2; plus strand). Cytogenetic location: 1q41.
Variant type: single nucleotide variant.
Coding change: c.5788C>T on transcript NM_206933.4 (MANE Select); coding-DNA position 5788, C replaced by T.
Protein change: p.Arg1930Ter; replaces arginine 1930 with a stop codon.
Molecular consequence: nonsense.
Genome position (GRCh38, 1-based): chr1:216,072,958, G>A on the plus strand (C>T on the coding strand, the complement: USH2A is on the minus strand). VCF-style: chr1-216072958-G-A. GRCh37 (hg19) VCF-style: chr1-216246300-G-A.
Other names: NP_996816.3:p.(Arg1930Ter); short protein forms R1930*.
Identifiers: ClinVar variation 48543 (VCV000048543.21), dbSNP rs397518021, ClinGen allele CA262107.

ClinVar aggregate classification (germline): Pathogenic/Likely pathogenic. Review status: criteria provided, multiple submitters, no conflicts (2 of 4 stars). 13 submissions from 12 submitters: Pathogenic (8); Likely pathogenic (4). 1 of the submissions does not count toward it. Last evaluated 2025-11-24.

Conditions:
Rare genetic deafness. Identifiers: Orphanet 96210, MedGen C5680250.
USH2A-related disorder. Also called: USH2A-related condition; USH2A-related disorders. Identifiers: MedGen CN239332.
Retinal dystrophy. Also called: Inherited retinal dystrophy. Identifiers: Orphanet 71862, MedGen C0854723, MeSH D058499, MONDO:0019118, HP:0000556.
Usher syndrome type 2A. Also called: USHER SYNDROME, TYPE IIA; RETINAL DISEASE IN USHER SYNDROME TYPE IIA, MODIFIER OF. Identifiers: Orphanet 231178, Orphanet 886, MedGen C1848634, MONDO:0010169, OMIM 276901.
Retinitis pigmentosa 39 (RP39). Identifiers: Orphanet 791, MedGen C3151138, MONDO:0013436, OMIM 613809.

Allele frequency attached by ClinVar (database versions not stated): gnomAD below 0.00001 and 0.00001; gnomAD exomes 0.00001.
gnomAD v4.1: 10 of 1,613,698 alleles (0.00062%); highest among the groups gnomAD compares: Middle Eastern, 0.016%; no homozygotes.

Submissions (13):

Natera, Inc.
Classification: Pathogenic for Usher syndrome type 2A. Last evaluated: 2025-11-24. Review status: criteria provided, single submitter. Criteria: Natera Variant Classification Schema (03/2026). Collection method: clinical testing. Allele origin: germline.
Comment: The c.5788C>T variant in USH2A is a nonsense variant predicted to introduce a stop codon at amino acid 1930. This variant is expected to result in nonsense mediated decay, truncation, or a dysfunctional protein product. This variant is rare in the general population with a frequency below the threshold expected for the associated phenotype(s). This variant has been observed in one or more individuals affected with the associated recessive disease, as either homozygous or compound heterozygous with a second variant (PMID: 39107234). Given the available evidence, this variant is classified as Pathogenic.

Labcorp Genetics (formerly Invitae), Labcorp
Classification: Pathogenic. Last evaluated: 2025-09-21. Review status: criteria provided, single submitter. Criteria: Invitae Variant Classification Sherloc (09022015). Collection method: clinical testing. Allele origin: germline.
Comment: This sequence change creates a premature translational stop signal (p.Arg1930*) in the USH2A gene. It is expected to result in an absent or disrupted protein product. Loss-of-function variants in USH2A are known to be pathogenic (PMID: 10729113, 10909849, 20507924, 25649381). This variant is present in population databases (rs397518021, gnomAD 0.003%). This variant has not been reported in the literature in individuals affected with USH2A-related conditions. ClinVar contains an entry for this variant (Variation ID: 48543). Algorithms developed to predict the effect of sequence changes on RNA splicing suggest that this variant may disrupt the consensus splice site. For these reasons, this variant has been classified as Pathogenic.

GeneDx
Classification: Likely pathogenic. Last evaluated: 2025-06-18. Review status: criteria provided, single submitter. Criteria: GeneDx Variant Classification Process June 2021. Collection method: clinical testing. Allele origin: germline.
Comment: Identified in a patient with an inherited retinal disease and classified as a variant of uncertain significance in published literature (PMID: 36460718); Identified in a patient belonging to a cohort with inherited retinal dystrophy/inherited optic neuropathy and who also harbored a variant in an additional gene in published literature (PMID: 37734845); Nonsense variant predicted to result in protein truncation or nonsense mediated decay in a gene for which loss of function is a known mechanism of disease; Not observed at significant frequency in large population cohorts (gnomAD); This variant is associated with the following publications: (PMID: 31964843, 37734845, 36460718)

SingHealth Duke-NUS Institute of Precision Medicine
Classification: Likely pathogenic for Usher syndrome type 2A. Last evaluated: 2025-02-05. Review status: criteria provided, single submitter. Criteria: PRISM ACMG Classification Criteria. Collection method: clinical testing. Allele origin: germline. Affected: yes.
Comment: Variant is predicted to cause nonsense-mediated decay in a gene where LOF is a known cause of pathogenicity (PVS1). Variant is not found in gnomAD genomes and exomes (PM2).

Fulgent Genetics
Classification: Pathogenic for Usher syndrome type 2A; Retinitis pigmentosa 39. Last evaluated: 2024-06-25. Review status: criteria provided, single submitter. Criteria: ACMG Guidelines, 2015. Collection method: clinical testing. Allele origin: germline.

Ophthalmic Genetics Group, Institute of Molecular and Clinical Ophthalmology Basel
Classification: Pathogenic for Retinal dystrophy. Last evaluated: 2024-05-27. Review status: criteria provided, single submitter. Criteria: ACMG Guidelines, 2015. Collection method: research. Allele origin: germline. Affected: yes. Observed: 10 variant alleles.
Comment: This variant was classified as Pathogenic based on ACMG criteria: PSV1_very strong, PM2_mod, PM3_very strong

Genome-Nilou Lab
Classification: Likely pathogenic for Retinitis pigmentosa 39. Last evaluated: 2023-11-04. Review status: criteria provided, single submitter. Criteria: ACMG Guidelines, 2015. Collection method: clinical testing. Allele origin: germline. Affected: no.

Genome-Nilou Lab
Classification: Likely pathogenic for Usher syndrome type 2A. Last evaluated: 2023-11-04. Review status: criteria provided, single submitter. Criteria: ACMG Guidelines, 2015. Collection method: clinical testing. Allele origin: germline. Affected: no.

Baylor Genetics
Classification: Pathogenic for Retinitis pigmentosa 39. Last evaluated: 2023-08-25. Review status: criteria provided, single submitter. Criteria: ACMG Guidelines, 2015. Collection method: clinical testing. Allele origin: unknown.

Blueprint Genetics
Classification: Pathogenic for USH2A-related disorders. Last evaluated: 2021-10-18. Review status: criteria provided, single submitter. Criteria: ACMG Guidelines, 2015. Collection method: clinical testing. Allele origin: germline. Affected: yes. Observed: 4 variant alleles.

Athena Diagnostics
Classification: Pathogenic. Last evaluated: 2020-07-08. Review status: criteria provided, single submitter. Criteria: Athena Diagnostics Criteria. Collection method: clinical testing. Allele origin: unknown.
Comment: The variant creates a premature nonsense codon, and is therefore predicted to result in the loss of a functional protein. Found in at least one patient with expected phenotype for this gene, and found in general population data at a frequency that is consistent with pathogenicity.

Laboratory for Molecular Medicine, Mass General Brigham Personalized Medicine
Classification: Pathogenic for Rare genetic deafness. Last evaluated: 2010-04-13. Review status: criteria provided, single submitter. Criteria: LMM Criteria. Collection method: clinical testing. Allele origin: germline. Observed: 1 variant allele.
Comment: The Arg1930X variant has not been reported in the literature nor previously iden tified by our laboratory. The Arg1930X variant leads to a premature stop codon a t position 1930 which is predicted to lead to a truncated or absent protein. The refore, this variant is highly likely to be pathogenic.

Counsyl
Classification: Likely pathogenic for Usher syndrome type 2A; Retinitis pigmentosa 39. Last evaluated: 2017-08-15. Review status: no assertion criteria provided. Collection method: clinical testing. Allele origin: unknown. Not counted in ClinVar's aggregate classification.

Literature cited by the submitters: PubMed 39107234 (cited by Natera, Inc.); PubMed 10729113 (cited by Labcorp Genetics (formerly Invitae), Labcorp and Ophthalmic Genetics Group, Institute of Molecular and Clinical Ophthalmology Basel); PubMed 10909849 (cited by Labcorp Genetics (formerly Invitae), Labcorp and Ophthalmic Genetics Group, Institute of Molecular and Clinical Ophthalmology Basel); PubMed 20507924 (cited by Labcorp Genetics (formerly Invitae), Labcorp); PubMed 25649381 (cited by Labcorp Genetics (formerly Invitae), Labcorp); PubMed 40180963 (cited by Ophthalmic Genetics Group, Institute of Molecular and Clinical Ophthalmology Basel).